The following is an entry in ClinVar:

ClinVar aggregate classification (germline): Uncertain significance. Review status: criteria provided, multiple submitters, no conflicts (2 of 4 stars). 4 submissions from 4 submitters: Uncertain significance (4). Last evaluated 2025-10-18.

Conditions:
Hajdu-Cheney syndrome (HJCYS). Also called: ACROOSTEOLYSIS WITH OSTEOPOROSIS AND CHANGES IN SKULL AND MANDIBLE; Acroosteolysis dominant type; SERPENTINE FIBULA-POLYCYSTIC KIDNEY SYNDROME. Identifiers: Orphanet 955, MedGen C0917715, MONDO:0007057, OMIM 102500.
Alagille syndrome due to a NOTCH2 point mutation. Also called: Alagille syndrome 2. Identifiers: Orphanet 261629, Orphanet 52, MedGen C1857761, MONDO:0012439, OMIM 610205.
Inborn genetic diseases. Identifiers: MedGen C0950123, MeSH D030342.

Allele frequency attached by ClinVar (database versions not stated): gnomAD exomes below 0.00001; ExAC 0.00001; gnomAD 0.00005.
gnomAD v4.1: 13 of 1,613,670 alleles (0.00081%); highest among the groups gnomAD compares: African/African-American, 0.017%; no homozygotes.

Submissions (4):

Labcorp Genetics (formerly Invitae), Labcorp
Classification: Uncertain significance for Hajdu-Cheney syndrome. Last evaluated: 2025-10-18. Review status: criteria provided, single submitter. Criteria: Invitae Variant Classification Sherloc (09022015). Collection method: clinical testing. Allele origin: germline.
Comment: This sequence change replaces threonine, which is neutral and polar, with asparagine, which is neutral and polar, at codon 563 of the NOTCH2 protein (p.Thr563Asn). This variant is present in population databases (rs782790871, gnomAD 0.01%). This variant has not been reported in the literature in individuals affected with NOTCH2-related conditions. ClinVar contains an entry for this variant (Variation ID: 2053972). Invitae Evidence Modeling of protein sequence and biophysical properties (such as structural, functional, and spatial information, amino acid conservation, physicochemical variation, residue mobility, and thermodynamic stability) indicates that this missense variant is not expected to disrupt NOTCH2 protein function with a negative predictive value of 95%. In summary, the available evidence is currently insufficient to determine the role of this variant in disease. Therefore, it has been classified as a Variant of Uncertain Significance.

Fulgent Genetics
Classification: Uncertain significance for Hajdu-Cheney syndrome; Alagille syndrome due to a NOTCH2 point mutation. Last evaluated: 2024-02-11. Review status: criteria provided, single submitter. Criteria: ACMG Guidelines, 2015. Collection method: clinical testing. Allele origin: germline.

Ambry Genetics
Classification: Uncertain significance for Inborn genetic diseases. Last evaluated: 2024-01-03. Review status: criteria provided, single submitter. Criteria: Ambry Variant Classification Scheme 2023. Collection method: clinical testing. Allele origin: germline.

Mayo Clinic Laboratories, Mayo Clinic
Classification: Uncertain significance. Last evaluated: 2023-10-11. Review status: criteria provided, single submitter. Criteria: ACMG Guidelines, 2015. Collection method: clinical testing. Allele origin: germline. Observed: 1 variant allele.
Comment: PM2_moderate

NM_024408.4(NOTCH2):c.1688C>A (p.Thr563Asn)

Gene: NOTCH2 (notch receptor 2; minus strand). Cytogenetic location: 1p12.
Variant type: single nucleotide variant.
Coding change: c.1688C>A on transcript NM_024408.4 (MANE Select); coding-DNA position 1688, C replaced by A.
Protein change: p.Thr563Asn; replaces threonine 563 with asparagine.
Molecular consequence: missense variant.
Genome position (GRCh38, 1-based): chr1:119,963,801, G>T on the plus strand (C>A on the coding strand, the complement: NOTCH2 is on the minus strand). VCF-style: chr1-119963801-G-T. GRCh37 (hg19) VCF-style: chr1-120506424-G-T.
Other names: p.Thr563Asn; c.1688C>A, p.Thr563Asn (NM_001200001.2); c.1688C>A (NM_024408.3); short protein forms T563N.
Identifiers: ClinVar variation 2053972 (VCV002053972.7), dbSNP rs782790871, ClinGen allele CA1040463.